The following is an entry in ClinVar:

ClinVar aggregate classification (germline): Uncertain significance. Review status: criteria provided, multiple submitters, no conflicts (2 of 4 stars). 3 submissions from 3 submitters: Uncertain significance (3). Last evaluated 2025-12-23.

Conditions:
Fanconi anemia complementation group P. Also called: SLX4-Related Fanconi Anemia. Identifiers: Orphanet 84, MedGen C3469542, MONDO:0013499, OMIM 613951.
Inborn genetic diseases. Identifiers: MedGen C0950123, MeSH D030342.
Fanconi anemia (FA). Also called: Fanconi's anemia. Identifiers: Orphanet 84, MedGen C0015625, MeSH D005199, MONDO:0019391.

Allele frequency attached by ClinVar (database versions not stated): gnomAD exomes 0.00001 and 0.00002; TOPMed 0.00002; ExAC 0.00003.
gnomAD v4.1: 8 of 1,614,158 alleles (0.0005%); highest among the groups gnomAD compares: Admixed American, 0.013%; no homozygotes.

Submissions (3):

Labcorp Genetics (formerly Invitae), Labcorp
Classification: Uncertain significance for Fanconi anemia. Last evaluated: 2025-12-23. Review status: criteria provided, single submitter. Criteria: Invitae Variant Classification Sherloc (09022015). Collection method: clinical testing. Allele origin: germline.
Comment: This sequence change replaces leucine, which is neutral and non-polar, with methionine, which is neutral and non-polar, at codon 1056 of the SLX4 protein (p.Leu1056Met). This variant is present in population databases (rs773890423, gnomAD 0.02%). This variant has not been reported in the literature in individuals affected with SLX4-related conditions. ClinVar contains an entry for this variant (Variation ID: 1044192). An algorithm developed to predict the effect of missense changes on protein structure and function (PolyPhen-2) suggests that this variant is likely to be disruptive. In summary, the available evidence is currently insufficient to determine the role of this variant in disease. Therefore, it has been classified as a Variant of Uncertain Significance.

Fulgent Genetics
Classification: Uncertain significance for Fanconi anemia complementation group P. Last evaluated: 2024-04-15. Review status: criteria provided, single submitter. Criteria: ACMG Guidelines, 2015. Collection method: clinical testing. Allele origin: germline.

Ambry Genetics
Classification: Uncertain significance for Inborn genetic diseases. Last evaluated: 2022-07-12. Review status: criteria provided, single submitter. Criteria: Ambry Variant Classification Scheme 2023. Collection method: clinical testing. Allele origin: germline.

NM_032444.4(SLX4):c.3166C>A (p.Leu1056Met)

Gene: SLX4 (SLX4 structure-specific endonuclease subunit; minus strand). Cytogenetic location: 16p13.3.
Variant type: single nucleotide variant.
Coding change: c.3166C>A on transcript NM_032444.4 (MANE Select); coding-DNA position 3166, C replaced by A.
Protein change: p.Leu1056Met; replaces leucine 1056 with methionine.
Molecular consequence: missense variant.
Genome position (GRCh38, 1-based): chr16:3,590,472, G>T on the plus strand (C>A on the coding strand, the complement: SLX4 is on the minus strand). VCF-style: chr16-3590472-G-T. GRCh37 (hg19) VCF-style: chr16-3640473-G-T.
Other names: c.3166C>A (NM_032444.2); short protein forms L1056M.
Identifiers: ClinVar variation 1044192 (VCV001044192.11), dbSNP rs773890423, ClinGen allele CA7865979.
Genomic context (GRCh38, chr16:3,590,472, plus strand): 5'-GAGACAGCAAGGTTGGGGAGCCCACCTGGGAAGTTCCGCCACGGGACCGGGGTGTTGACA[G>T]GGACGACCCACTTGTGTGATGAGACCCGCGGGGACTCCCGCCCTGGGGAGGCCCCAATAG-3'
Protein context (NP_115820.2, residues 1046-1066): RGSHHTSGSS[Leu1056Met]STPRSRGGTS